The following is an entry in ClinVar:

NM_001134363.3(RBM20):c.489del (p.Ser166fs)

Gene: RBM20 (RNA binding motif protein 20; plus strand). Cytogenetic location: 10q25.2.
Variant type: Deletion.
Coding change: c.489del on transcript NM_001134363.3 (MANE Select); coding-DNA position 489, one base deleted (G; older notation c.489delG).
Protein change: p.Ser166fs; shifts the reading frame from serine 166.
Molecular consequence: frameshift variant.
Genome position (GRCh38, 1-based): chr10:110,781,098, G deleted; the last of 2 consecutive G bases (chr10:110,781,097-110,781,098); deleting either gives the same sequence. VCF-style (leftmost placement, unchanged base first): chr10-110781096-CG-C. GRCh37 (hg19) VCF-style: chr10-112540854-CG-C.
Other names: short protein forms S166fs.
Identifiers: ClinVar variation 3656948 (VCV003656948.2).

ClinVar aggregate classification (germline): Pathogenic (1 of 4 stars; one submission).

Conditions:
Dilated cardiomyopathy 1DD (CMD1DD). Identifiers: Orphanet 154, MedGen C2750995, MONDO:0013168, OMIM 613172.

Submission:

Labcorp Genetics (formerly Invitae), Labcorp
Classification: Pathogenic for Dilated cardiomyopathy 1DD. Last evaluated: 2025-12-08. Review status: criteria provided, single submitter. Criteria: Invitae Variant Classification Sherloc (09022015). Collection method: clinical testing. Allele origin: germline.
Comment: This sequence change creates a premature translational stop signal (p.Ser166Leufs*19) in the RBM20 gene. It is expected to result in an absent or disrupted protein product. Loss-of-function variants in RBM20 are known to be pathogenic (PMID: 20590677, 22004663, 38288598, 38510713, 40339755). This variant is not present in population databases (gnomAD no frequency). This variant has not been reported in the literature in individuals affected with RBM20-related conditions. ClinVar contains an entry for this variant (Variation ID: 3656948). For these reasons, this variant has been classified as Pathogenic.

Literature cited by the submitters: PubMed 20590677; PubMed 22004663; PubMed 38288598; PubMed 38510713; PubMed 40339755.